The following is an entry in ClinVar:

ClinVar aggregate classification (germline): Uncertain significance (1 of 4 stars; one submission).

gnomAD v4.1: 10 of 1,614,104 alleles (0.00062%); highest among the groups gnomAD compares: Non-Finnish European, 0.00051%; no homozygotes.

Submission:

Labcorp Genetics (formerly Invitae), Labcorp
Classification: Uncertain significance. Last evaluated: 2024-06-16. Review status: criteria provided, single submitter. Criteria: Invitae Variant Classification Sherloc (09022015). Collection method: clinical testing. Allele origin: germline.
Comment: This sequence change replaces isoleucine, which is neutral and non-polar, with methionine, which is neutral and non-polar, at codon 1230 of the TRRAP protein (p.Ile1230Met). This variant is not present in population databases (gnomAD no frequency). This variant has not been reported in the literature in individuals affected with TRRAP-related conditions. An algorithm developed to predict the effect of missense changes on protein structure and function (PolyPhen-2) suggests that this variant is likely to be tolerated. In summary, the available evidence is currently insufficient to determine the role of this variant in disease. Therefore, it has been classified as a Variant of Uncertain Significance.

NM_001375524.1(TRRAP):c.3690C>G (p.Ile1230Met)

Gene: TRRAP (transformation/transcription domain associated protein; plus strand). Cytogenetic location: 7q22.1.
Variant type: single nucleotide variant.
Coding change: c.3690C>G on transcript NM_001375524.1 (MANE Select); coding-DNA position 3690, C replaced by G.
Protein change: p.Ile1230Met; replaces isoleucine 1230 with methionine.
Molecular consequence: missense variant.
Genome position (GRCh38, 1-based): chr7:98,931,503, C>G. VCF-style: chr7-98931503-C-G. GRCh37 (hg19) VCF-style: chr7-98529126-C-G.
Other names: c.3690C>G, p.Ile1230Met (NM_001244580.2, NM_003496.4); short protein forms I1230M.
Identifiers: ClinVar variation 3718719 (VCV003718719.2).